The following is an entry in ClinVar:

NM_001267550.2(TTN):c.32887+2T>C

Gene: TTN (titin; minus strand). Cytogenetic location: 2q31.2.
Variant type: single nucleotide variant.
Coding change: c.32887+2T>C on transcript NM_001267550.2 (MANE Select); the canonical splice donor site of the intron after coding-DNA position 32887, T replaced by C.
Molecular consequence: splice donor variant. On other transcripts: intron variant (3).
Genome position (GRCh38, 1-based): chr2:178,683,209, A>G on the plus strand (T>C on the coding strand, the complement: TTN is on the minus strand). VCF-style: chr2-178683209-A-G. GRCh37 (hg19) VCF-style: chr2-179547936-A-G.
Other names: c.13283-40892T>C (NM_003319.4); c.13859-40892T>C (NM_133437.4); c.13658-40892T>C (NM_133432.3); c.29155+2T>C (NM_133378.4); c.31936+2T>C (NM_001256850.1).
Identifiers: ClinVar variation 1348001 (VCV001348001.8), dbSNP rs2154273077, ClinGen allele CA349542733.

ClinVar aggregate classification (germline): Likely pathogenic (1 of 4 stars; one submission).

Conditions:
Dilated cardiomyopathy 1G (CMD1G). Identifiers: Orphanet 154, MedGen C1858763, MONDO:0011400, OMIM 604145.
Autosomal recessive limb-girdle muscular dystrophy type 2J (LGMDR10). Also called: Limb-girdle muscular dystrophy, type 2J; MUSCULAR DYSTROPHY, LIMB-GIRDLE, AUTOSOMAL RECESSIVE 10. Identifiers: Orphanet 140922, MedGen C1837342, MONDO:0012127, OMIM 608807.

Submission:

Labcorp Genetics (formerly Invitae), Labcorp
Classification: Likely pathogenic for Dilated cardiomyopathy 1G; Autosomal recessive limb-girdle muscular dystrophy type 2J. Last evaluated: 2024-10-18. Review status: criteria provided, single submitter. Criteria: Invitae Variant Classification Sherloc (09022015). Collection method: clinical testing. Allele origin: germline.
Comment: This sequence change affects a donor splice site in intron 134 of the TTN gene. It is expected to disrupt RNA splicing and likely results in a truncated or disrupted TTN protein. This variant is not present in population databases (gnomAD no frequency). This variant has not been reported in the literature in individuals affected with TTN-related conditions. ClinVar contains an entry for this variant (Variation ID: 1348001). Algorithms developed to predict the effect of sequence changes on RNA splicing suggest that this variant may disrupt the consensus splice site. This variant is located in the I band of TTN (PMID: 25589632). Truncating variants in this region have been reported in individuals affected with autosomal recessive centronuclear myopathy (PMID: 23975875, internal data). Truncating variants in this region have also been identified in individuals affected with autosomal dominant dilated cardiomyopathy and/or cardio-related conditions (PMID: 27869827, 32964742, internal data). In summary, the currently available evidence indicates that the variant is pathogenic, but additional data are needed to prove that conclusively. Therefore, this variant has been classified as Likely Pathogenic.

Literature cited by the submitters: PubMed 25589632; PubMed 23975875; PubMed 27869827; PubMed 32964742.